The following is an entry in ClinVar:

ClinVar aggregate classification (germline): Uncertain significance (1 of 4 stars; one submission).

Conditions:
Neuronopathy, distal hereditary motor, autosomal recessive 4. Also called: Autosomal recessive lower motor neuron disease with childhood onset; NEUROPATHY, DISTAL HEREDITARY MOTOR, AUTOSOMAL RECESSIVE 4. Identifiers: Orphanet 206580, MedGen C1970211, MONDO:0012608, OMIM 611067.
Charcot-Marie-Tooth disease recessive intermediate C. Also called: CHARCOT-MARIE-TOOTH NEUROPATHY, RECESSIVE INTERMEDIATE C. Identifiers: Orphanet 369867, MedGen C3809309, MONDO:0014154, OMIM 615376.

Allele frequency attached by ClinVar (database versions not stated): TOPMed below 0.00001.

Submission:

Labcorp Genetics (formerly Invitae), Labcorp
Classification: Uncertain significance for Neuronopathy, distal hereditary motor, autosomal recessive 4; Charcot-Marie-Tooth disease recessive intermediate C. Last evaluated: 2022-07-20. Review status: criteria provided, single submitter. Criteria: Invitae Variant Classification Sherloc (09022015). Collection method: clinical testing. Allele origin: germline.
Comment: In summary, the available evidence is currently insufficient to determine the role of this variant in disease. Therefore, it has been classified as a Variant of Uncertain Significance. Algorithms developed to predict the effect of missense changes on protein structure and function are either unavailable or do not agree on the potential impact of this missense change (SIFT: "Tolerated"; PolyPhen-2: "Probably Damaging"; Align-GVGD: "Class C0"). This variant has not been reported in the literature in individuals affected with PLEKHG5-related conditions. This variant is not present in population databases (gnomAD no frequency). This sequence change replaces alanine, which is neutral and non-polar, with valine, which is neutral and non-polar, at codon 818 of the PLEKHG5 protein (p.Ala818Val).

NM_020631.6(PLEKHG5):c.2453C>T (p.Ala818Val)

Gene: PLEKHG5 (pleckstrin homology and RhoGEF domain containing G5; minus strand). Cytogenetic location: 1p36.31.
Variant type: single nucleotide variant.
Coding change: c.2453C>T on transcript NM_020631.6 (MANE Select); coding-DNA position 2453, C replaced by T.
Protein change: p.Ala818Val; replaces alanine 818 with valine.
Molecular consequence: missense variant.
Genome position (GRCh38, 1-based): chr1:6,468,383, G>A on the plus strand (C>T on the coding strand, the complement: PLEKHG5 is on the minus strand). VCF-style: chr1-6468383-G-A. GRCh37 (hg19) VCF-style: chr1-6528443-G-A.
Other names: c.2564C>T, p.Ala855Val (NM_001042663.3, NM_001265592.2); c.2453C>T, p.Ala818Val (NM_001042664.2, NM_001042665.2, NM_001265594.3 and 1 more transcripts); c.2660C>T, p.Ala887Val (NM_001265593.2); short protein forms A818V, A855V, A887V.
Identifiers: ClinVar variation 1719911 (VCV001719911.6), dbSNP rs1644460806, ClinGen allele CA338116771.